The following is an entry in ClinVar:

ClinVar aggregate classification (germline): Conflicting classifications of pathogenicity. Review status: criteria provided, conflicting classifications (1 of 4 stars). 3 submissions from 3 submitters: Uncertain significance (2); Likely benign (1). Last evaluated 2025-11-03.

Conditions:
Hereditary nonpolyposis colorectal neoplasms. Identifiers: MedGen C0009405, MeSH D003123.
Hereditary cancer-predisposing syndrome. Also called: Hereditary neoplastic syndrome; Neoplastic Syndromes, Hereditary; Tumor predisposition; Hereditary Cancer Syndrome. Identifiers: Orphanet 140162, MedGen C0027672, MeSH D009386, MONDO:0015356.
Lynch syndrome. Identifiers: Orphanet 144, MedGen C4552100, MONDO:0005835. Disease mechanism: loss of function.

gnomAD v4.1: 10 of 1,614,092 alleles (0.00062%); highest among the groups gnomAD compares: Non-Finnish European, 0.00085%; no homozygotes.

Submissions (3):

Labcorp Genetics (formerly Invitae), Labcorp
Classification: Likely benign for Hereditary nonpolyposis colorectal neoplasms. Last evaluated: 2025-11-03. Review status: criteria provided, single submitter. Criteria: Invitae Variant Classification Sherloc (09022015). Collection method: clinical testing. Allele origin: germline.

Ambry Genetics
Classification: Uncertain significance for Hereditary cancer-predisposing syndrome. Last evaluated: 2024-03-27. Review status: criteria provided, single submitter. Criteria: Ambry Variant Classification Scheme 2023. Collection method: clinical testing. Allele origin: germline.
Comment: The p.K1126T variant (also known as c.3377A>C), located in coding exon 5 of the MSH6 gene, results from an A to C substitution at nucleotide position 3377. The lysine at codon 1126 is replaced by threonine, an amino acid with similar properties. This amino acid position is conserved. In addition, the in silico prediction for this alteration is inconclusive. Based on the available evidence, the clinical significance of this alteration remains unclear.

All of Us Research Program, National Institutes of Health
Classification: Uncertain significance for Lynch syndrome. Last evaluated: 2024-03-24. Review status: criteria provided, single submitter. Criteria: ACMG Guidelines, 2015. Collection method: clinical testing. Allele origin: germline. Inheritance: Autosomal dominant inheritance. Observed: 1 variant allele, 1 heterozygote.
Comment: This missense variant replaces lysine with threonine at codon 1126 of the MSH6 protein. Computational prediction suggests that this variant may not impact protein structure and function (internally defined REVEL score threshold <= 0.5, PMID: 27666373). To our knowledge, functional studies have not been reported for this variant. This variant has not been reported in individuals affected with MSH6-related disorders in the literature. This variant has been identified in 1/31404 chromosomes in the general population by the Genome Aggregation Database (gnomAD). The available evidence is insufficient to determine the role of this variant in disease conclusively. Therefore, this variant is classified as a Variant of Uncertain Significance.

This study involves interpretation of variants in research participants for the purpose of population health screening. Participant phenotype was not available at the time of variant classification. Additional details can be found in publication PMID: 35346344, PMCID: PMC8962531

NM_000179.3(MSH6):c.3377A>C (p.Lys1126Thr)

Gene: MSH6 (mutS homolog 6; plus strand). Cytogenetic location: 2p16.3.
Variant type: single nucleotide variant.
Coding change: c.3377A>C on transcript NM_000179.3 (MANE Select); coding-DNA position 3377, A replaced by C.
Protein change: p.Lys1126Thr; replaces lysine 1126 with threonine.
Molecular consequence: missense variant.
Genome position (GRCh38, 1-based): chr2:47,803,624, A>C. VCF-style: chr2-47803624-A-C. GRCh37 (hg19) VCF-style: chr2-48030763-A-C.
Other names: c.2987A>C, p.Lys996Thr (NM_001281492.2); c.2471A>C, p.Lys824Thr (NM_001281493.2, NM_001281494.2); short protein forms K824T, K996T, K1126T.
Identifiers: ClinVar variation 946646 (VCV000946646.12), dbSNP rs766608409, ClinGen allele CA46716079.